The following is an entry in ClinVar:

ClinVar aggregate classification (germline): Uncertain significance (1 of 4 stars; one submission).

gnomAD v4.1: 3 of 1,614,078 alleles (0.00019%); highest among the groups gnomAD compares: East Asian, 0.0067%; no homozygotes.

Submission:

GeneDx
Classification: Uncertain significance. Last evaluated: 2024-03-18. Review status: criteria provided, single submitter. Criteria: GeneDx Variant Classification Process June 2021. Collection method: clinical testing. Allele origin: germline. Affected: yes.
Comment: In silico analysis supports a deleterious effect on splicing; Has not been previously published as pathogenic or benign to our knowledge

NM_004086.3(COCH):c.482-3C>A

Genes: COCH (cochlin; plus strand), LOC100506071 (uncharacterized LOC100506071; minus strand). Cytogenetic location: 14q12.
Variant type: single nucleotide variant.
Coding change: c.482-3C>A on transcript NM_004086.3 (MANE Select); 3 bases into the intron before coding-DNA position 482, C replaced by A.
Molecular consequence: intron variant.
Genome position (GRCh38, 1-based): chr14:30,880,584, C>A. VCF-style: chr14-30880584-C-A. GRCh37 (hg19) VCF-style: chr14-31349790-C-A.
Other names: c.677-3C>A (NM_001347720.2); c.482-3C>A (NM_001135058.2).
Identifiers: ClinVar variation 3371028 (VCV003371028.1).
Genomic context (GRCh38, chr14:30,880,584, plus strand): 5'-GGTAGCATTTTCCCTCCCTCCTCTTGAGACTGCTAATGAGGGGACTGGTTTGGTTGTTCG[C>A]AGATTGTAAAGCAGACATTGCATTTCTGATTGATGGAAGCTTTAATATTGGGCAGCGCCG-3'